The following is an entry in ClinVar:

ClinVar aggregate classification (germline): Conflicting classifications of pathogenicity. Review status: criteria provided, conflicting classifications (1 of 4 stars). 3 submissions from 3 submitters: Uncertain significance (1); Likely benign (1). 1 of the submissions does not count toward it. Last evaluated 2024-11-18.

Conditions:
Megalencephaly-polydactyly syndrome (MPAPA). Identifiers: MedGen C5935591, MONDO:0958279, OMIM 620748.
Feingold syndrome type 1 (FGLDS1). Also called: MICROCEPHALY, MENTAL RETARDATION, AND TRACHEOESOPHAGEAL FISTULA SYNDROME; MICROCEPHALY-OCULO-DIGITO-ESOPHAGEAL-DUODENAL SYNDROME; OCULODIGITOESOPHAGODUODENAL SYNDROME; ODED SYNDROME; MICROCEPHALY AND DIGITAL ABNORMALITIES WITH NORMAL INTELLIGENCE. Identifiers: Orphanet 1305, Orphanet 391641, MedGen C4551774, MONDO:0008115, OMIM 164280.
MYCN-related disorder. Also called: MYCN-related condition.

Allele frequency attached by ClinVar (database versions not stated): gnomAD 0.00225; 1000 Genomes Project 0.01118.

Submissions (3):

Blueprint Genetics
Classification: Likely benign. Last evaluated: 2024-11-18. Review status: criteria provided, single submitter. Criteria: ACMG Guidelines, 2015. Collection method: clinical testing. Allele origin: germline.

Department of Pathology and Laboratory Medicine, Sinai Health System
Classification: Uncertain significance for Feingold syndrome type 1; Megalencephaly-polydactyly syndrome. Last evaluated: 2021-10-19. Review status: criteria provided, single submitter. Criteria: ACMG Guidelines, 2015. Collection method: research. Allele origin: germline.

PreventionGenetics, part of Exact Sciences
Classification: Likely benign for MYCN-related condition. Last evaluated: 2022-06-09. Review status: no assertion criteria provided. Collection method: clinical testing. Allele origin: germline. Not counted in ClinVar's aggregate classification.
Comment: This variant is classified as likely benign based on ACMG/AMP sequence variant interpretation guidelines (Richards et al. 2015 PMID: 25741868, with internal and published modifications).

NM_005378.6(MYCN):c.-177C>T

Genes: MYCN (MYCN proto-oncogene, bHLH transcription factor; plus strand), MYCNOS (MYCN opposite strand; minus strand). Cytogenetic location: 2p24.3.
Variant type: single nucleotide variant.
Coding change: c.-177C>T on transcript NM_005378.6 (MANE Select); 177 bases upstream of the start codon, C replaced by T.
Molecular consequence: 5 prime UTR variant. On other transcripts: missense variant (2).
Genome position (GRCh38, 1-based): chr2:15,940,684, C>T. VCF-style: chr2-15940684-C-T. GRCh37 (hg19) VCF-style: chr2-16080806-C-T.
Other names: c.-487C>T (NM_001293228.2); c.98C>T, p.Pro33Leu (NM_001293231.2, NM_001293233.2); short protein forms P33L.
Identifiers: ClinVar variation 3041890 (VCV003041890.4), dbSNP rs188129461, ClinGen allele CA43191907.
Genomic context (GRCh38, chr2:15,940,684, plus strand): 5'-AAGCGCTAGCCAGGCGCAAGCGCGCACAGACTGTAGCCATCCGAGGACACCCCCGCCCCC[C>T]CGGCCCACCCGGAGACACCCGCGCAGAATCGCCTCCGGATCCCCTGCAGTCGGCGGGAGG-3'